The following is an entry in ClinVar:

ClinVar aggregate classification (germline): Conflicting classifications of pathogenicity. Review status: criteria provided, conflicting classifications (1 of 4 stars). 8 submissions from 8 submitters: Uncertain significance (6); Likely benign (2). Last evaluated 2025-11-05.

Conditions:
Hereditary breast ovarian cancer syndrome. Also called: Breast and ovarian cancer; Hereditary breast and ovarian cancer; Hereditary breast and ovarian cancer syndrome; Hereditary breast and/or ovarian cancer syndrome; BRCA1- and BRCA2-Associated Hereditary Breast and Ovarian Cancer; Hereditary breast and ovarian cancer syndrome (HBOC). Identifiers: Orphanet 145, MedGen C0677776, MeSH D061325, MONDO:0003582. Disease mechanism: loss of function.
Breast-ovarian cancer, familial, susceptibility to, 1 (BROVCA1). Also called: BRCA1 Hereditary Breast and Ovarian Cancer; OVARIAN CANCER, SUSCEPTIBILITY TO. Identifiers: Orphanet 145, MedGen C2676676, MONDO:0011450, OMIM 604370. Disease mechanism: loss of function.
Hereditary cancer-predisposing syndrome. Also called: Tumor predisposition; Hereditary Cancer Syndrome; Neoplastic Syndromes, Hereditary; Hereditary neoplastic syndrome. Identifiers: Orphanet 140162, MedGen C0027672, MeSH D009386, MONDO:0015356.

Allele frequency attached by ClinVar (database versions not stated): gnomAD exomes below 0.00001; gnomAD 0.00001; TOPMed 0.00001; 1000 Genomes Project 30x 0.00016; 1000 Genomes Project 0.00020.
gnomAD v4.1: 1 of 1,614,014 alleles (0.000062%); highest among the groups gnomAD compares: Admixed American, 0.0017%; no homozygotes.

Submissions (8):

Color Diagnostics, LLC DBA Color Health
Classification: Likely benign for Hereditary cancer-predisposing syndrome. Last evaluated: 2025-11-05. Review status: criteria provided, single submitter. Criteria: ACMG Guidelines, 2015. Collection method: clinical testing. Allele origin: germline.

Labcorp Genetics (formerly Invitae), Labcorp
Classification: Uncertain significance for Hereditary breast ovarian cancer syndrome. Last evaluated: 2025-09-04. Review status: criteria provided, single submitter. Criteria: Invitae Variant Classification Sherloc (09022015). Collection method: clinical testing. Allele origin: germline.
Comment: This sequence change replaces asparagine, which is neutral and polar, with serine, which is neutral and polar, at codon 913 of the BRCA1 protein (p.Asn913Ser). This variant is not present in population databases (gnomAD no frequency). This variant has not been reported in the literature in individuals affected with BRCA1-related conditions. ClinVar contains an entry for this variant (Variation ID: 232370). Invitae Evidence Modeling of protein sequence and biophysical properties (such as structural, functional, and spatial information, amino acid conservation, physicochemical variation, residue mobility, and thermodynamic stability) indicates that this missense variant is not expected to disrupt BRCA1 protein function with a negative predictive value of 80%. RNA analysis performed to evaluate the impact of this missense change on mRNA splicing indicates it does not significantly alter splicing (internal data). In summary, the available evidence is currently insufficient to determine the role of this variant in disease. Therefore, it has been classified as a Variant of Uncertain Significance.

Quest Diagnostics Nichols Institute San Juan Capistrano
Classification: Uncertain significance. Last evaluated: 2025-07-01. Review status: criteria provided, single submitter. Criteria: Quest Diagnostics criteria. Collection method: clinical testing. Allele origin: unknown.
Comment: The BRCA1 c.2738A>G (p.Asn913Ser) variant has been reported in the published literature be located in a region of the BRCA1 gene that is tolerant to missense sequence changes (PMID: 31911673 (2020)). To the best of our knowledge, this variant has not been reported in individuals with BRCA1-related disorders. The frequency of this variant in the general population (Genome Aggregation Database) is uninformative in the assessment of its pathogenicity. Analysis of this variant using bioinformatics tools for the prediction of the effect of amino acid changes on protein structure and function yielded predictions that this variant is benign. Additional analysis using software algorithms for the prediction of the effect of nucleotide changes on BRCA1 mRNA splicing yielded predictions that this variant may result in the gain of a cryptic splice site without affecting the natural splice sites. Based on the available information, we are unable to determine the clinical significance of this variant.

Ambry Genetics
Classification: Uncertain significance for Hereditary cancer-predisposing syndrome. Last evaluated: 2024-05-22. Review status: criteria provided, single submitter. Criteria: Ambry Variant Classification Scheme 2023. Collection method: clinical testing. Allele origin: germline.
Comment: The p.N913S variant (also known as c.2738A>G), located in coding exon 9 of the BRCA1 gene, results from an A to G substitution at nucleotide position 2738. The asparagine at codon 913 is replaced by serine, an amino acid with highly similar properties. This amino acid position is poorly conserved in available vertebrate species. In addition, this alteration is predicted to be tolerated by in silico analysis. Since supporting evidence is limited at this time, the clinical significance of this alteration remains unclear.

GeneDx
Classification: Uncertain significance. Last evaluated: 2024-04-30. Review status: criteria provided, single submitter. Criteria: GeneDx Variant Classification Process June 2021. Collection method: clinical testing. Allele origin: germline. Affected: yes.
Comment: In silico analysis indicates that this missense variant does not alter protein structure/function; Not observed at significant frequency in large population cohorts (gnomAD); Identified in individuals referred for multi-gene panel testing with personal or family history of cancer (PMID: 31853058); Also known as 2857A>G; This variant is associated with the following publications: (PMID: 29884841, 15343273, 32377563, 31853058)

All of Us Research Program, National Institutes of Health
Classification: Uncertain significance for Breast-ovarian cancer, familial, susceptibility to, 1. Last evaluated: 2023-05-16. Review status: criteria provided, single submitter. Criteria: ACMG Guidelines, 2015. Collection method: clinical testing. Allele origin: germline. Inheritance: Autosomal dominant inheritance. Observed: 1 variant allele, 1 heterozygote.
Comment: This missense variant replaces asparagine with serine at codon 913 of the BRCA1 protein. Computational prediction suggests that this variant may not impact protein structure and function (internally defined REVEL score threshold <= 0.5, PMID: 27666373). To our knowledge, functional studies have not been reported for this variant. This variant has not been reported in individuals affected with BRCA1-related disorders in the literature. This variant has been identified in 1/250752 chromosomes in the general population by the Genome Aggregation Database (gnomAD). The available evidence is insufficient to determine the role of this variant in disease conclusively. Therefore, this variant is classified as a Variant of Uncertain Significance.

This study involves interpretation of variants in research participants for the purpose of population health screening. Participant phenotype was not available at the time of variant classification. Additional details can be found in publication PMID: 35346344, PMCID: PMC8962531

University of Washington Department of Laboratory Medicine, University of Washington
Classification: Likely benign for Hereditary cancer-predisposing syndrome. Last evaluated: 2023-03-23. Review status: criteria provided, single submitter. Criteria: Dines et al. (Genet Med. 2020). Collection method: curation. Allele origin: germline.
Comment: Missense variant in a coldspot region where missense variants are very unlikely to be pathogenic (PMID:31911673).

BRCA1 coldspot (exon 11 using historical exon numbering). Reclassification based on statistical prior probability

Women's Health and Genetics/Laboratory Corporation of America, LabCorp
Classification: Uncertain significance. Last evaluated: 2020-12-15. Review status: criteria provided, single submitter. Criteria: LabCorp Variant Classification Summary - May 2015. Collection method: clinical testing. Allele origin: germline.
Comment: Variant summary: BRCA1 c.2738A>G (p.Asn913Ser) results in a conservative amino acid change in the encoded protein sequence. Five of five in-silico tools predict a benign effect of the variant on protein function. The variant allele was found at a frequency of 4e-06 in 250752 control chromosomes. The available data on variant occurrences in the general population are insufficient to allow any conclusion about variant significance. To our knowledge, no occurrence of c.2738A>G in individuals affected with Hereditary Breast And Ovarian Cancer Syndrome and no experimental evidence demonstrating its impact on protein function have been reported. Six clinical diagnostic laboratories have submitted clinical-significance assessments for this variant to ClinVar after 2014 without evidence for independent evaluation. All laboratories classified the variant as uncertain significance. Based on the evidence outlined above, the variant was classified as uncertain significance.

Literature cited by the submitters: PubMed 31911673 (cited by Quest Diagnostics Nichols Institute San Juan Capistrano).

NM_007294.4(BRCA1):c.2738A>G (p.Asn913Ser)

Gene: BRCA1 (BRCA1 DNA repair associated; minus strand). Cytogenetic location: 17q21.31.
Variant type: single nucleotide variant.
Coding change: c.2738A>G on transcript NM_007294.4 (MANE Select); coding-DNA position 2738, A replaced by G.
Protein change: p.Asn913Ser; replaces asparagine 913 with serine.
Molecular consequence: missense variant. On other transcripts: intron variant (137).
Genome position (GRCh38, 1-based): chr17:43,092,793, T>C on the plus strand (A>G on the coding strand, the complement: BRCA1 is on the minus strand). VCF-style: chr17-43092793-T-C. GRCh37 (hg19) VCF-style: chr17-41244810-T-C.
Other names: c.2597A>G, p.Asn866Ser (NM_001407727.1, NM_001407728.1, NM_001407729.1 and 29 more transcripts); c.2594A>G, p.Asn865Ser (NM_001407745.1, NM_001407746.1, NM_001407747.1 and 20 more transcripts); c.2525A>G, p.Asn842Ser (NM_001407853.1, NM_001407894.1, NM_001407895.1 and 9 more transcripts); c.2738A>G, p.Asn913Ser (NM_001407854.1, NM_001407858.1, NM_001407859.1 and 30 more transcripts); c.2735A>G, p.Asn912Ser (NM_001407860.1, NM_001407861.1, NM_001407587.1 and 22 more transcripts); c.2528A>G, p.Asn843Ser (NM_001407887.1, NM_001407889.1, NM_001407900.1 and 13 more transcripts); c.2615A>G, p.Asn872Ser (NM_001407919.1, NM_001407937.1, NM_001407938.1 and 19 more transcripts); c.2474A>G, p.Asn825Ser (NM_001407920.1, NM_001407921.1, NM_001407922.1 and 9 more transcripts); and 41 more; short protein forms N913S, N866S, N825S, N843S, N845S, N846S, N617S, N745S.
Identifiers: ClinVar variation 232370 (VCV000232370.29), dbSNP rs199954851, ClinGen allele CA10580602.